The following is an entry in ClinVar:

ClinVar aggregate classification (germline): Uncertain significance (1 of 4 stars; one submission).

Conditions:
Idiopathic Pulmonary Fibrosis. Also called: Idiopathic fibrosing alveolitis, chronic form; idiopathic fibrosing alveolitis. Identifiers: Orphanet 2032, MedGen C1800706, MeSH D054990, MONDO:0800504.
Dyskeratosis congenita, autosomal dominant 2. Identifiers: MedGen C3151443, MONDO:0013521, OMIM 613989.

Submission:

Labcorp Genetics (formerly Invitae), Labcorp
Classification: Uncertain significance for Dyskeratosis congenita, autosomal dominant 2; Idiopathic Pulmonary Fibrosis. Last evaluated: 2024-01-03. Review status: criteria provided, single submitter. Criteria: Invitae Variant Classification Sherloc (09022015). Collection method: clinical testing. Allele origin: germline.
Comment: This variant, c.521_547dup, results in the insertion of 9 amino acid(s) of the TERT protein (p.Pro174_Thr182dup), but otherwise preserves the integrity of the reading frame. This variant is not present in population databases (gnomAD no frequency). This variant has not been reported in the literature in individuals affected with TERT-related conditions. ClinVar contains an entry for this variant (Variation ID: 576317). Experimental studies and prediction algorithms are not available or were not evaluated, and the functional significance of this variant is currently unknown. In summary, the available evidence is currently insufficient to determine the role of this variant in disease. Therefore, it has been classified as a Variant of Uncertain Significance.

NM_198253.3(TERT):c.521_547dup (p.Pro174_Thr182dup)

Gene: TERT (telomerase reverse transcriptase; minus strand). Cytogenetic location: 5p15.33.
Variant type: Duplication.
Coding change: c.521_547dup on transcript NM_198253.3 (MANE Select); coding-DNA positions 521 to 547, 27 bases duplicated (CGCTGTACCAGCTCGGCGCTGCCACTC).
Protein change: p.Pro174_Thr182dup.
Molecular consequence: inframe insertion. On other transcripts: non-coding transcript variant (2).
Genome position (GRCh38, 1-based): chr5:1,294,339-1,294,365, GAGTGGCAGCGCCGAGCTGGTACAGCG duplicated on the plus strand (CGCTGTACCAGCTCGGCGCTGCCACTC on the coding strand, the reverse complement: TERT is on the minus strand); duplicating any 27 consecutive bases within chr5:1,294,339-1,294,366 gives the same sequence; the c. name uses the placement nearest the transcript's 3' end. VCF-style (leftmost placement, unchanged base first): chr5-1294338-T-TGAGTGGCAGCGCCGAGCTGGTACAGCG. GRCh37 (hg19) VCF-style: chr5-1294453-T-TGAGTGGCAGCGCCGAGCTGGTACAGCG.
Other names: c.521_547dup, p.Pro174_Thr182dup (NM_001193376.3).
Identifiers: ClinVar variation 576317 (VCV000576317.9), dbSNP rs1561214640, ClinGen allele CA891842954.
Genomic context (GRCh38, chr5:1,294,338, plus strand): 5'-CAGGCCCGTTCGCATCCCAGACGCCTTCGGGGTCCACTAGCGTGTGGCGGGGGCCGGGCC[T>TGAGTGGCAGCGCCGAGCTGGTACAGCG]GAGTGGCAGCGCCGAGCTGGTACAGCGGCGGCCCGCACACCTGGTAGGCGCAGCTGGGAG-3'